The following is an entry in ClinVar:

ClinVar aggregate classification (germline): Uncertain significance (1 of 4 stars; one submission).

Conditions:
Alzheimer disease 3 (AD3). Also called: ALZHEIMER DISEASE, FAMILIAL, 3. Identifiers: Orphanet 1020, MedGen C1843013, MONDO:0011913, OMIM 607822.
Frontotemporal dementia (FTD1). Also called: Dementia, frontotemporal, with or without parkinsonism; Frontotemporal lobe dementia (FLDEM); FRONTOTEMPORAL LOBAR DEGENERATION WITH TAU INCLUSIONS; FTLD WITH TAU INCLUSIONS; FRONTOTEMPORAL DEMENTIA WITH PARKINSONISM; FRONTOTEMPORAL LOBE DEMENTIA. Identifiers: Orphanet 282, MedGen C0338451, MONDO:0017276, OMIM 600274, HP:0002145.
Pick disease. Also called: Pick Disease of the Brain; PICK DISEASE OF BRAIN; DEMENTIA WITH LOBAR ATROPHY AND NEURONAL CYTOPLASMIC INCLUSIONS; LOBAR ATROPHY OF BRAIN; Pick's disease. Identifiers: Orphanet 282, MedGen C0236642, MONDO:0008243, OMIM 172700.
Acne inversa, familial, 3 (ACNINV3). Identifiers: MedGen C3151038, MONDO:0013398, OMIM 613737.

Submission:

Labcorp Genetics (formerly Invitae), Labcorp
Classification: Uncertain significance for Alzheimer disease 3; Pick disease; Acne inversa, familial, 3; Frontotemporal dementia. Last evaluated: 2023-07-22. Review status: criteria provided, single submitter. Criteria: Invitae Variant Classification Sherloc (09022015). Collection method: clinical testing. Allele origin: germline.
Comment: This variant has not been reported in the literature in individuals affected with PSEN1-related conditions. Advanced modeling of protein sequence and biophysical properties (such as structural, functional, and spatial information, amino acid conservation, physicochemical variation, residue mobility, and thermodynamic stability) performed at Invitae indicates that this missense variant is expected to disrupt PSEN1 protein function. In summary, the available evidence is currently insufficient to determine the role of this variant in disease. Therefore, it has been classified as a Variant of Uncertain Significance. This variant is not present in population databases (gnomAD no frequency). This sequence change replaces alanine, which is neutral and non-polar, with aspartic acid, which is acidic and polar, at codon 164 of the PSEN1 protein (p.Ala164Asp).

NM_000021.4(PSEN1):c.491C>A (p.Ala164Asp)

Gene: PSEN1 (presenilin 1; plus strand). Cytogenetic location: 14q24.2.
Variant type: single nucleotide variant.
Coding change: c.491C>A on transcript NM_000021.4 (MANE Select); coding-DNA position 491, C replaced by A.
Protein change: p.Ala164Asp; replaces alanine 164 with aspartic acid.
Molecular consequence: missense variant.
Genome position (GRCh38, 1-based): chr14:73,186,863, C>A. VCF-style: chr14-73186863-C-A. GRCh37 (hg19) VCF-style: chr14-73653571-C-A.
Other names: c.479C>A, p.Ala160Asp (NM_007318.3); short protein forms A160D, A164D.
Identifiers: ClinVar variation 2939037 (VCV002939037.3), dbSNP rs1555354560, ClinGen allele CA390295947.